The following is an entry in ClinVar:

NM_000487.6(ARSA):c.1334G>T (p.Gly445Val)

Gene: ARSA (arylsulfatase A; minus strand). Cytogenetic location: 22q13.33.
Variant type: single nucleotide variant.
Coding change: c.1334G>T on transcript NM_000487.6 (MANE Select); coding-DNA position 1334, G replaced by T.
Protein change: p.Gly445Val; replaces glycine 445 with valine.
Molecular consequence: missense variant.
Genome position (GRCh38, 1-based): chr22:50,625,341, C>A on the plus strand (G>T on the coding strand, the complement: ARSA is on the minus strand). VCF-style: chr22-50625341-C-A. GRCh37 (hg19) VCF-style: chr22-51063769-C-A.
Other names: c.1334G>T, p.Gly445Val (NM_001085425.3, NM_001085426.3, NM_001085427.3); c.1076G>T, p.Gly359Val (NM_001085428.3, NM_001362782.2); short protein forms G445V, G359V.
Identifiers: ClinVar variation 198733 (VCV000198733.19), dbSNP rs540762357, ClinGen allele CA247538.

ClinVar aggregate classification (germline): Uncertain significance. Review status: criteria provided, multiple submitters, no conflicts (2 of 4 stars). 8 submissions from 8 submitters: Uncertain significance (7). 1 of the submissions does not count toward it. Last evaluated 2024-09-23.

Conditions:
Inborn genetic diseases. Identifiers: MedGen C0950123, MeSH D030342.
Metachromatic leukodystrophy (MLD). Also called: Arylsulfatase A Deficiency; ARSA DEFICIENCY; CEREBROSIDE SULFATASE DEFICIENCY; Cerebral sclerosis diffuse metachromatic form; SULFATIDE LIPIDOSIS; METACHROMATIC LEUKOENCEPHALOPATHY. Identifiers: Orphanet 512, MedGen C0023522, MONDO:0018868, OMIM 250100.

Allele frequency attached by ClinVar (database versions not stated): gnomAD exomes 0.00004 and 0.00006; ExAC 0.00007; gnomAD 0.00007 and 0.00008; TOPMed 0.00009; 1000 Genomes Project 0.00020; 1000 Genomes Project 30x 0.00031.

Submissions (8):

Blueprint Genetics
Classification: Uncertain significance. Last evaluated: 2024-09-23. Review status: criteria provided, single submitter. Criteria: ACMG Guidelines, 2015. Collection method: clinical testing. Allele origin: germline.

Labcorp Genetics (formerly Invitae), Labcorp
Classification: Uncertain significance for Metachromatic leukodystrophy. Last evaluated: 2022-10-05. Review status: criteria provided, single submitter. Criteria: Invitae Variant Classification Sherloc (09022015). Collection method: clinical testing. Allele origin: germline.
Comment: This sequence change replaces glycine, which is neutral and non-polar, with valine, which is neutral and non-polar, at codon 445 of the ARSA protein (p.Gly445Val). This variant is present in population databases (rs540762357, gnomAD 0.02%). This variant has not been reported in the literature in individuals affected with ARSA-related conditions. ClinVar contains an entry for this variant (Variation ID: 198733). Algorithms developed to predict the effect of missense changes on protein structure and function (SIFT, PolyPhen-2, Align-GVGD) all suggest that this variant is likely to be tolerated. Algorithms developed to predict the effect of sequence changes on RNA splicing suggest that this variant may create or strengthen a splice site. In summary, the available evidence is currently insufficient to determine the role of this variant in disease. Therefore, it has been classified as a Variant of Uncertain Significance.

Ambry Genetics
Classification: Uncertain significance for Inborn genetic diseases. Last evaluated: 2021-04-29. Review status: criteria provided, single submitter. Criteria: Ambry Variant Classification Scheme 2023. Collection method: clinical testing. Allele origin: germline.

Fulgent Genetics
Classification: Uncertain significance for Metachromatic leukodystrophy. Last evaluated: 2018-10-31. Review status: criteria provided, single submitter. Criteria: ACMG Guidelines, 2015. Collection method: clinical testing. Allele origin: unknown.

Illumina Laboratory Services, Illumina
Classification: Uncertain significance for Metachromatic leukodystrophy. Last evaluated: 2018-01-12. Review status: criteria provided, single submitter. Criteria: ICSL Variant Classification Criteria 13 December 2019. Collection method: clinical testing. Allele origin: germline.

Eurofins Ntd Llc (ga)
Classification: Uncertain significance. Last evaluated: 2015-02-02. Review status: criteria provided, single submitter. Criteria: EGL Classification Definitions 2015. Collection method: clinical testing. Allele origin: germline. Observed: 1 variant allele, 1 heterozygote.

Breakthrough Genomics
Classification: Uncertain significance. Review status: criteria provided, single submitter. Criteria: ACMG Guidelines, 2015. Collection method: not provided. Allele origin: germline. Inheritance: Autosomal dominant inheritance. Affected: yes.

Mayo Clinic Laboratories, Mayo Clinic
Classification: Uncertain significance. Last evaluated: 2017-10-16. Review status: no assertion criteria provided. Collection method: clinical testing. Allele origin: unknown. Not counted in ClinVar's aggregate classification.